The following is an entry in ClinVar:

NM_021076.4(NEFH):c.605T>C (p.Leu202Pro)

Gene: NEFH (neurofilament heavy chain; plus strand). Cytogenetic location: 22q12.2.
Variant type: single nucleotide variant.
Coding change: c.605T>C on transcript NM_021076.4 (MANE Select); coding-DNA position 605, T replaced by C.
Protein change: p.Leu202Pro; replaces leucine 202 with proline.
Molecular consequence: missense variant.
Genome position (GRCh38, 1-based): chr22:29,480,867, T>C. VCF-style: chr22-29480867-T-C. GRCh37 (hg19) VCF-style: chr22-29876856-T-C.
Other names: short protein forms L202P.
Identifiers: ClinVar variation 2736424 (VCV002736424.3), dbSNP rs2517969172, ClinGen allele CA411123358.

ClinVar aggregate classification (germline): Uncertain significance (1 of 4 stars; one submission).

Allele frequency attached by ClinVar (database versions not stated): gnomAD exomes below 0.00001.
gnomAD v4.1: 2 of 1,403,514 alleles (0.00014%); highest among the groups gnomAD compares: Non-Finnish European, 0.00018%; no homozygotes.

Submission:

Labcorp Genetics (formerly Invitae), Labcorp
Classification: Uncertain significance. Last evaluated: 2023-10-16. Review status: criteria provided, single submitter. Criteria: Invitae Variant Classification Sherloc (09022015). Collection method: clinical testing. Allele origin: germline.
Comment: This sequence change replaces leucine, which is neutral and non-polar, with proline, which is neutral and non-polar, at codon 202 of the NEFH protein (p.Leu202Pro). This variant is not present in population databases (gnomAD no frequency). This variant has not been reported in the literature in individuals affected with NEFH-related conditions. Advanced modeling of protein sequence and biophysical properties (such as structural, functional, and spatial information, amino acid conservation, physicochemical variation, residue mobility, and thermodynamic stability) performed at Invitae indicates that this missense variant is not expected to disrupt NEFH protein function. In summary, the available evidence is currently insufficient to determine the role of this variant in disease. Therefore, it has been classified as a Variant of Uncertain Significance.